The following is an entry in ClinVar:

ClinVar aggregate classification (germline): Uncertain significance (1 of 4 stars; one submission).

Allele frequency attached by ClinVar (database versions not stated): TOPMed below 0.00001; gnomAD exomes 0.00001.
gnomAD v4.1: 12 of 1,614,192 alleles (0.00074%); highest among the groups gnomAD compares: African/African-American, 0.0027%; no homozygotes.

Submission:

Labcorp Genetics (formerly Invitae), Labcorp
Classification: Uncertain significance. Last evaluated: 2024-11-05. Review status: criteria provided, single submitter. Criteria: Invitae Variant Classification Sherloc (09022015). Collection method: clinical testing. Allele origin: germline.
Comment: This sequence change replaces arginine, which is basic and polar, with glutamine, which is neutral and polar, at codon 510 of the EMC1 protein (p.Arg510Gln). This variant is present in population databases (no rsID available, gnomAD 0.002%). This variant has not been reported in the literature in individuals affected with EMC1-related conditions. ClinVar contains an entry for this variant (Variation ID: 1345239). Invitae Evidence Modeling of protein sequence and biophysical properties (such as structural, functional, and spatial information, amino acid conservation, physicochemical variation, residue mobility, and thermodynamic stability) has been performed for this missense variant. However, the output from this modeling did not meet the statistical confidence thresholds required to predict the impact of this variant on EMC1 protein function. In summary, the available evidence is currently insufficient to determine the role of this variant in disease. Therefore, it has been classified as a Variant of Uncertain Significance.

NM_015047.3(EMC1):c.1529G>A (p.Arg510Gln)

Genes: EMC1 (ER membrane protein complex subunit 1; minus strand), EMC1-AS1 (EMC1 antisense RNA 1; plus strand). Cytogenetic location: 1p36.13.
Variant type: single nucleotide variant.
Coding change: c.1529G>A on transcript NM_015047.3 (MANE Select); coding-DNA position 1529, G replaced by A.
Protein change: p.Arg510Gln; replaces arginine 510 with glutamine.
Molecular consequence: missense variant.
Genome position (GRCh38, 1-based): chr1:19,233,039, C>T on the plus strand (G>A on the coding strand, the complement: EMC1 is on the minus strand). VCF-style: chr1-19233039-C-T. GRCh37 (hg19) VCF-style: chr1-19559533-C-T.
Other names: c.1526G>A, p.Arg509Gln (NM_001271427.2, NM_001271428.2); c.1463G>A, p.Arg488Gln (NM_001271429.2); c.1538G>A, p.Arg513Gln (NM_001375820.1); c.1535G>A, p.Arg512Gln (NM_001375821.1); short protein forms R509Q, R488Q, R512Q, R510Q, R513Q.
Identifiers: ClinVar variation 1345239 (VCV001345239.8), dbSNP rs1351938576, ClinGen allele CA338762781.